The following is an entry in ClinVar:

NM_002206.3(ITGA7):c.1643G>A (p.Arg548His)

Gene: ITGA7 (integrin subunit alpha 7; minus strand). Cytogenetic location: 12q13.2.
Variant type: single nucleotide variant.
Coding change: c.1643G>A on transcript NM_002206.3 (MANE Select); coding-DNA position 1643, G replaced by A.
Protein change: p.Arg548His; replaces arginine 548 with histidine.
Molecular consequence: missense variant.
Genome position (GRCh38, 1-based): chr12:55,696,993, C>T on the plus strand (G>A on the coding strand, the complement: ITGA7 is on the minus strand). VCF-style: chr12-55696993-C-T. GRCh37 (hg19) VCF-style: chr12-56090777-C-T.
Other names: c.1655G>A, p.Arg552His (NM_001144996.2); c.1364G>A, p.Arg455His (NM_001144997.2); c.1316G>A, p.Arg439His (NM_001367993.1); c.299G>A, p.Arg100His (NM_001367994.1); c.1625G>A, p.Arg542His (NM_001374465.1); c.1775G>A, p.Arg592His (NM_001410977.1); c.1637G>A, p.Arg546His (NM_001414029.1); c.1568G>A, p.Arg523His (NM_001414030.1); and 5 more; short protein forms R548H, R455H, R100H, R552H, R439H, R542H, R592H, R523H.
Identifiers: ClinVar variation 470569 (VCV000470569.1), dbSNP rs746596659, ClinGen allele CA6615870.

ClinVar aggregate classification (germline): Uncertain significance (1 of 4 stars; one submission).

Conditions:
Congenital muscular dystrophy due to integrin alpha-7 deficiency. Also called: Congenital muscular dystrophy with integrin alpha-7 deficiency; Muscular dystrophy, congenital, due to ITGA7 deficiency; MYOPATHY, CONGENITAL, DUE TO INTEGRIN ALPHA-7 DEFICIENCY. Identifiers: Orphanet 34520, MedGen C2750786, MONDO:0013177, OMIM 613204.

Allele frequency attached by ClinVar (database versions not stated): ExAC 0.00001; gnomAD 0.00001; gnomAD exomes 0.00002.
gnomAD v4.1: 29 of 1,614,000 alleles (0.0018%); highest among the groups gnomAD compares: South Asian, 0.0055%; no homozygotes.

Submission:

Labcorp Genetics (formerly Invitae), Labcorp
Classification: Uncertain significance for Congenital muscular dystrophy due to integrin alpha-7 deficiency. Last evaluated: 2017-06-28. Review status: criteria provided, single submitter. Criteria: Invitae Variant Classification Sherloc (09022015). Collection method: clinical testing. Allele origin: germline.
Comment: This sequence change replaces arginine with histidine at codon 548 of the ITGA7 protein (p.Arg548His). The arginine residue is highly conserved and there is a small physicochemical difference between arginine and histidine. This variant is present in population databases (rs746596659, ExAC 0.002%). This variant has not been reported in the literature in individuals with ITGA7-related disease. Algorithms developed to predict the effect of missense changes on protein structure and function output the following: SIFT: "Tolerated"; PolyPhen-2: "Benign"; Align-GVGD: "Class C0". The histidine amino acid residue is found in multiple mammalian species, suggesting that this missense change does not adversely affect protein function. These predictions have not been confirmed by published functional studies and their clinical significance is uncertain. In summary, the available evidence is currently insufficient to determine the role of this variant in disease. Therefore, it has been classified as a Variant of Uncertain Significance.